The following is an entry in ClinVar:

ClinVar aggregate classification (germline): Likely benign (1 of 4 stars; one submission).

Submission:

CeGaT Center for Human Genetics Tuebingen
Classification: Likely benign. Last evaluated: 2026-05-01. Review status: criteria provided, single submitter. Criteria: CeGaT Center For Human Genetics Tuebingen Variant Classification Criteria Version 2. Collection method: clinical testing. Allele origin: germline. Affected: yes. Observed: 1 variant allele.
Comment: TRIM8: PM2:Supporting, BP4, BP7

NM_030912.3(TRIM8):c.852C>A (p.Gly284=)

Gene: TRIM8 (tripartite motif containing 8; plus strand). Cytogenetic location: 10q24.32.
Variant type: single nucleotide variant.
Coding change: c.852C>A on transcript NM_030912.3 (MANE Select); coding-DNA position 852, C replaced by A.
Protein change: p.Gly284=; no amino-acid change (glycine 284 retained).
Molecular consequence: synonymous variant. On other transcripts: non-coding transcript variant (1).
Genome position (GRCh38, 1-based): chr10:102,655,265, C>A. VCF-style: chr10-102655265-C-A. GRCh37 (hg19) VCF-style: chr10-104415022-C-A.
Other names: c.756C>A, p.Gly252= (NM_001345950.1).
Identifiers: ClinVar variation 4872583 (VCV004872583.2).